The following is an entry in ClinVar:

NM_005476.7(GNE):c.1543_1544del (p.Asp515fs)

Gene: GNE (glucosamine (UDP-N-acetyl)-2-epimerase/N-acetylmannosamine kinase; minus strand). Cytogenetic location: 9p13.3.
Variant type: Deletion.
Coding change: c.1543_1544del on transcript NM_005476.7 (MANE Select); coding-DNA positions 1543 to 1544, 2 bases deleted (GA; older notation c.1543_1544delGA).
Protein change: p.Asp515fs; shifts the reading frame from aspartic acid 515.
Molecular consequence: frameshift variant. On other transcripts: intron variant (1).
Genome position (GRCh38, 1-based): chr9:36,222,866-36,222,867, TC deleted on the plus strand (GA on the coding strand, the reverse complement: GNE is on the minus strand); deleting any 2 consecutive bases within chr9:36,222,866-36,222,868 gives the same sequence; the c. name uses the placement nearest the transcript's 3' end. VCF-style (leftmost placement, unchanged base first): chr9-36222865-GTC-G. GRCh37 (hg19) VCF-style: chr9-36222862-GTC-G.
Other names: c.1636_1637del, p.Asp546fs (NM_001128227.3); c.1213_1214del, p.Asp405fs (NM_001190384.3); c.1366_1367del, p.Asp456fs (NM_001190388.2, NM_001374798.1); c.1390_1391del, p.Asp464fs (NM_001374797.1); c.1411+506_1411+507del (NM_001190383.3); c.1636_1637delGA (NM_001128227.3, NM_001128227.2); c.1636_1637del (NM_001128227.2); short protein forms D405fs, D546fs, D515fs, D464fs, D456fs.
Identifiers: ClinVar variation 370649 (VCV000370649.6), dbSNP rs1057516657, ClinGen allele CA16041311.

ClinVar aggregate classification (germline): Pathogenic. Review status: criteria provided, multiple submitters, no conflicts (2 of 4 stars). 4 submissions from 4 submitters: Pathogenic (3). 1 of the submissions does not count toward it. Last evaluated 2026-08-19.

Conditions:
GNE myopathy (NM). Also called: INCLUSION BODY MYOPATHY, HEREDITARY, AUTOSOMAL RECESSIVE; INCLUSION BODY MYOPATHY 2, AUTOSOMAL RECESSIVE; NONAKA DISTAL MYOPATHY; IBM 2; Inclusion body myopathy autosomal recessive; Inclusion body myopathy quadriceps sparing. Identifiers: Orphanet 602, MedGen C1853926, MONDO:0011603, OMIM 605820.

Submissions (4):

Myriad Genetics, Inc.
Classification: Pathogenic for GNE myopathy. Last evaluated: 2026-08-19. Review status: criteria provided, single submitter. Criteria: Myriad Autosomal Dominant, Autosomal Recessive and X-Linked Classification Criteria (2023). Collection method: clinical testing. Allele origin: unknown.
Comment: NM_001128227.2(GNE):c.1636_1637delGA(D546Qfs*2) is a frameshift variant classified as pathogenic in the context of GNE myopathy. D546Qfs*2 has been observed in cases with relevant disease (PMID: 30390020, 35138478, 24737350). Relevant functional assessments of this variant are not available in the literature. D546Qfs*2 has not been observed in referenced population frequency databases. In summary, NM_001128227.2(GNE):c.1636_1637delGA(D546Qfs*2) is a frameshift variant in a gene where loss of function is a known mechanism of disease, is predicted to disrupt protein function, and has been observed more frequently in cases with the relevant disease than in healthy populations. Please note: this variant was assessed in the context of healthy population screening.

Baylor Genetics
Classification: Pathogenic for GNE myopathy. Last evaluated: 2024-02-24. Review status: criteria provided, single submitter. Criteria: ACMG Guidelines, 2015. Collection method: clinical testing. Allele origin: unknown.

Women's Health and Genetics/Laboratory Corporation of America, LabCorp
Classification: Pathogenic for GNE myopathy. Last evaluated: 2023-10-25. Review status: criteria provided, single submitter. Criteria: LabCorp Variant Classification Summary - May 2015. Collection method: clinical testing. Allele origin: germline.
Comment: Variant summary: GNE c.1636_1637delGA (p.Asp546GlnfsX2) results in a premature termination codon, predicted to cause a truncation of the encoded protein or absence of the protein due to nonsense mediated decay, which are commonly known mechanisms for disease. The variant was absent in 251494 control chromosomes. c.1636_1637delGA has been reported in the literature in multiple compound heterozygous individuals affected with GNE myopathy (e.g. Lv_2022). These data indicate that the variant is very likely to be associated with disease. To our knowledge, no experimental evidence demonstrating an impact on protein function has been reported. The following publication has been ascertained in the context of this evaluation (PMID: 35138478). One submitter has cited clinical-significance assessments for this variant to ClinVar after 2014 and has classified the variant as likely pathogenic. Based on the evidence outlined above, the variant was classified as pathogenic.

Counsyl
Classification: Likely pathogenic for GNE myopathy. Last evaluated: 2016-03-15. Review status: no assertion criteria provided. Collection method: clinical testing. Allele origin: unknown. Not counted in ClinVar's aggregate classification.

Literature cited by the submitters: PubMed 24737350 (cited by Myriad Genetics, Inc. and Counsyl); PubMed 30390020 (cited by Myriad Genetics, Inc.); PubMed 35138478 (cited by Myriad Genetics, Inc. and Women's Health and Genetics/Laboratory Corporation of America, LabCorp).